The following is an entry in ClinVar:

ClinVar aggregate classification (germline): Uncertain significance. Review status: criteria provided, single submitter (1 of 4 stars). 2 submissions from 2 submitters: Uncertain significance (1). 1 of the submissions does not count toward it. Last evaluated 2024-10-21.

Conditions:
Lissencephaly type 1 due to doublecortin gene mutation. Also called: LISSENCEPHALY, X-LINKED, 1; LISSENCEPHALY AND AGENESIS OF CORPUS CALLOSUM. Identifiers: Orphanet 2148, MedGen C4551968, MONDO:0010239, OMIM 300067.

Submissions (2):

Labcorp Genetics (formerly Invitae), Labcorp
Classification: Uncertain significance. Last evaluated: 2024-10-21. Review status: criteria provided, single submitter. Criteria: Invitae Variant Classification Sherloc (09022015). Collection method: clinical testing. Allele origin: germline.
Comment: This variant, c.605_607del, results in the deletion of 1 amino acid(s) of the DCX protein (p.Lys202del), but otherwise preserves the integrity of the reading frame. This variant is not present in population databases (gnomAD no frequency). This variant has not been reported in the literature in individuals affected with DCX-related conditions. Experimental studies and prediction algorithms are not available or were not evaluated, and the functional significance of this variant is currently unknown. In summary, the available evidence is currently insufficient to determine the role of this variant in disease. Therefore, it has been classified as a Variant of Uncertain Significance.

Istanbul Faculty of Medicine, Istanbul University
Classification: Pathogenic for Lissencephaly type 1 due to doublecortin gene mutation. Last evaluated: 2022-05-17. Review status: no assertion criteria provided. Collection method: clinical testing. Allele origin: germline. Affected: yes. Observed: 1 variant allele. Not counted in ClinVar's aggregate classification.

Literature cited by the submitters: DOI 10.26650/JARHS2022-1107813 (cited by Istanbul Faculty of Medicine, Istanbul University).

NM_001195553.2(DCX):c.602AGA[1] (p.Lys202del)

Gene: DCX (doublecortin; minus strand). Cytogenetic location: Xq23.
Variant type: Microsatellite.
Coding change: c.602AGA[1] on transcript NM_001195553.2 (MANE Select); one copy of the 3-base unit AGA starting at c.602; the reference has two copies in a row; one copy, 3 bases deleted.
Protein change: p.Lys202del; deletes lysine 202.
Molecular consequence: inframe deletion.
Genome position (GRCh38, 1-based): chrX:111,401,088-111,401,090, TCT deleted on the plus strand (AGA on the coding strand, the reverse complement: DCX is on the minus strand); deleting any 3 consecutive bases within chrX:111,401,088-111,401,094 gives the same sequence; the position shown is the placement nearest the transcript's 3' end. VCF-style (leftmost placement, unchanged base first): chrX-111401087-GTCT-G. GRCh37 (hg19) VCF-style: chrX-110644315-GTCT-G.
Other names: c.845AGA[1], p.Lys283del (NM_000555.3); c.602AGA[1], p.Lys202del (NM_001369370.1, NM_001369371.1, NM_001369372.1 and 5 more transcripts); c.605_607del (NM_178151.3); short protein forms K202del, K283del.
Identifiers: ClinVar variation 1691104 (VCV001691104.5), dbSNP rs2524835099, ClinGen allele CA2580612460.